The following is an entry in ClinVar:

NM_001354768.3(NRL):c.196C>T (p.Arg66Trp)

Gene: NRL (neural retina leucine zipper; minus strand). Cytogenetic location: 14q11.2.
Variant type: single nucleotide variant.
Coding change: c.196C>T on transcript NM_001354768.3 (MANE Select); coding-DNA position 196, C replaced by T.
Protein change: p.Arg66Trp; replaces arginine 66 with tryptophan.
Molecular consequence: missense variant. On other transcripts: intron variant (1).
Genome position (GRCh38, 1-based): chr14:24,082,653, G>A on the plus strand (C>T on the coding strand, the complement: NRL is on the minus strand). VCF-style: chr14-24082653-G-A. GRCh37 (hg19) VCF-style: chr14-24551862-G-A.
Other names: c.196C>T (NM_006177.3); c.196C>T, p.Arg66Trp (NM_001354769.1, NM_006177.5); c.66+130C>T (NM_001354770.2); short protein forms R66W.
Identifiers: ClinVar variation 3714609 (VCV003714609.4).

ClinVar aggregate classification (germline): Uncertain significance. Review status: criteria provided, multiple submitters, no conflicts (2 of 4 stars). 3 submissions from 3 submitters: Uncertain significance (3). Last evaluated 2026-05-26.

Conditions:
NRL-related disorder. Also called: NRL-related condition.

gnomAD v4.1: 44 of 1,614,032 alleles (0.0027%); highest among the groups gnomAD compares: African/African-American, 0.011%; no homozygotes.

Submissions (3):

PreventionGenetics, part of Exact Sciences
Classification: Uncertain significance for NRL-related condition. Last evaluated: 2026-05-26. Review status: criteria provided, single submitter. Criteria: ACMG Guidelines, 2015. Collection method: clinical testing. Allele origin: germline.
Comment: The NRL c.196C>T variant is predicted to result in the amino acid substitution p.Arg66Trp. To our knowledge, this variant has not been reported in the literature. This variant is reported in 0.012% of alleles in individuals of African descent in gnomAD. At this time, the clinical significance of this variant is uncertain due to the absence of conclusive functional and genetic evidence.

Labcorp Genetics (formerly Invitae), Labcorp
Classification: Uncertain significance. Last evaluated: 2025-01-05. Review status: criteria provided, single submitter. Criteria: Invitae Variant Classification Sherloc (09022015). Collection method: clinical testing. Allele origin: germline.
Comment: This sequence change replaces arginine, which is basic and polar, with tryptophan, which is neutral and slightly polar, at codon 66 of the NRL protein (p.Arg66Trp). This variant is present in population databases (rs201143735, gnomAD 0.01%). This variant has not been reported in the literature in individuals affected with NRL-related conditions. An algorithm developed to predict the effect of missense changes on protein structure and function (PolyPhen-2) suggests that this variant is likely to be disruptive. In summary, the available evidence is currently insufficient to determine the role of this variant in disease. Therefore, it has been classified as a Variant of Uncertain Significance.

Blueprint Genetics
Classification: Uncertain significance. Last evaluated: 2022-01-31. Review status: criteria provided, single submitter. Criteria: ACMG Guidelines, 2015. Collection method: clinical testing. Allele origin: germline.